The following is an entry in ClinVar:

NM_005562.3(LAMC2):c.146_150dup (p.Phe51fs)

Gene: LAMC2 (laminin subunit gamma 2; plus strand). Cytogenetic location: 1q25.3.
Variant type: Duplication.
Coding change: c.146_150dup on transcript NM_005562.3 (MANE Select); coding-DNA positions 146 to 150, 5 bases duplicated (ATGGA; older notation c.146_150dupATGGA).
Protein change: p.Phe51fs; shifts the reading frame from phenylalanine 51.
Molecular consequence: frameshift variant.
Genome position (GRCh38, 1-based): chr1:183,207,947-183,207,951, ATGGA duplicated; duplicating any 5 consecutive bases within chr1:183,207,946-183,207,951 gives the same sequence; the c. name uses the placement nearest the transcript's 3' end. VCF-style (leftmost placement, unchanged base first): chr1-183207945-T-TAATGG. GRCh37 (hg19) VCF-style: chr1-183177080-T-TAATGG.
Other names: c.146_150dup, p.Phe51fs (NM_018891.3); short protein forms F51fs.
Identifiers: ClinVar variation 371541 (VCV000371541.11), dbSNP rs1057517353, ClinGen allele CA16040675.

ClinVar aggregate classification (germline): Pathogenic/Likely pathogenic. Review status: criteria provided, multiple submitters, no conflicts (2 of 4 stars). 4 submissions from 4 submitters: Pathogenic (1); Likely pathogenic (2). 1 of the submissions does not count toward it. Last evaluated 2024-02-05.

Conditions:
LAMC2-related disorder. Also called: LAMC2-related condition.
Epidermolysis bullosa, junctional 3A, intermediate. Also called: EPIDERMOLYSIS BULLOSA, JUNCTIONAL 3A, GENERALIZED INTERMEDIATE; EPIDERMOLYSIS BULLOSA, JUNCTIONAL 3A, NON-HERLITZ TYPE. Identifiers: MedGen C5676938, MONDO:0030748, OMIM 619785.
Epidermolysis bullosa, junctional 3B, severe. Also called: EPIDERMOLYSIS BULLOSA, JUNCTIONAL 3B, GENERALIZED SEVERE; EPIDERMOLYSIS BULLOSA, JUNCTIONAL 3B, HERLITZ TYPE. Identifiers: MedGen C5676939, MONDO:0030749, OMIM 619786.
Junctional epidermolysis bullosa gravis of Herlitz. Also called: Herlitz-type junctional epidermolysis bullosa; EPIDERMOLYSIS BULLOSA JUNCTIONALIS, HERLITZ TYPE; EPIDERMOLYSIS BULLOSA, JUNCTIONAL, HERLITZ-PEARSON TYPE; Epidermolysis Bullosa Letalis; JEB-HERLITZ TYPE; EPIDERMOLYSIS BULLOSA, JUNCTIONAL 1B, SEVERE. Identifiers: Orphanet 79404, MedGen C0079683, MONDO:0009182, OMIM 226700.

Submissions (4):

Fulgent Genetics
Classification: Likely pathogenic for Epidermolysis bullosa, junctional 3A, intermediate; Epidermolysis bullosa, junctional 3B, severe. Last evaluated: 2024-02-05. Review status: criteria provided, single submitter. Criteria: ACMG Guidelines, 2015. Collection method: clinical testing. Allele origin: germline.

Labcorp Genetics (formerly Invitae), Labcorp
Classification: Pathogenic. Last evaluated: 2023-12-14. Review status: criteria provided, single submitter. Criteria: Invitae Variant Classification Sherloc (09022015). Collection method: clinical testing. Allele origin: germline.
Comment: This sequence change creates a premature translational stop signal (p.Phe51Metfs*60) in the LAMC2 gene. It is expected to result in an absent or disrupted protein product. Loss-of-function variants in LAMC2 are known to be pathogenic (PMID: 11907499, 16473856). This variant is present in population databases (no rsID available, gnomAD 0.002%). This variant has not been reported in the literature in individuals affected with LAMC2-related conditions. ClinVar contains an entry for this variant (Variation ID: 371541). For these reasons, this variant has been classified as Pathogenic.

PreventionGenetics, part of Exact Sciences
Classification: Likely pathogenic for LAMC2-related condition. Last evaluated: 2023-05-30. Review status: criteria provided, single submitter. Criteria: ACMG Guidelines, 2015. Collection method: clinical testing. Allele origin: germline.
Comment: The LAMC2 c.146_150dup5 variant is predicted to result in a frameshift and premature protein termination (p.Phe51Metfs*60). To our knowledge, this variant has not been reported in the literature. This variant is reported in 0.0015% of alleles in individuals of European (Non-Finnish) descent in gnomAD. Frameshift variants in LAMC2 are expected to be pathogenic. This variant is interpreted as likely pathogenic.

Counsyl
Classification: Likely pathogenic for Junctional epidermolysis bullosa gravis of Herlitz. Last evaluated: 2016-10-12. Review status: no assertion criteria provided. Collection method: clinical testing. Allele origin: unknown. Not counted in ClinVar's aggregate classification.

Literature cited by the submitters: PubMed 11907499 (cited by Labcorp Genetics (formerly Invitae), Labcorp); PubMed 16473856 (cited by Labcorp Genetics (formerly Invitae), Labcorp).